The following is an entry in ClinVar:

NM_004655.4(AXIN2):c.815+1G>C

Gene: AXIN2 (axin 2; minus strand). Cytogenetic location: 17q24.1.
Variant type: single nucleotide variant.
Coding change: c.815+1G>C on transcript NM_004655.4 (MANE Select); the canonical splice donor site of the intron after coding-DNA position 815, G replaced by C.
Molecular consequence: splice donor variant.
Genome position (GRCh38, 1-based): chr17:65,557,805, C>G on the plus strand (G>C on the coding strand, the complement: AXIN2 is on the minus strand). VCF-style: chr17-65557805-C-G. GRCh37 (hg19) VCF-style: chr17-63553923-C-G.
Other names: c.815+1G>C (NM_001363813.1).
Identifiers: ClinVar variation 1486938 (VCV001486938.8), dbSNP rs781384784, ClinGen allele CA400680168.

ClinVar aggregate classification (germline): Pathogenic (1 of 4 stars; one submission).

Conditions:
Oligodontia-cancer predisposition syndrome. Also called: TOOTH AGENESIS-COLORECTAL CANCER SYNDROME. Identifiers: Orphanet 300576, MedGen C1837750, MONDO:0012075, OMIM 608615. Disease mechanism: loss of function.

Submission:

Labcorp Genetics (formerly Invitae), Labcorp
Classification: Pathogenic for Oligodontia-cancer predisposition syndrome. Last evaluated: 2025-01-15. Review status: criteria provided, single submitter. Criteria: Invitae Variant Classification Sherloc (09022015). Collection method: clinical testing. Allele origin: germline.
Comment: This sequence change affects a donor splice site in intron 2 of the AXIN2 gene. RNA analysis indicates that disruption of this splice site induces altered splicing and may result in an absent or altered protein product. This variant is not present in population databases (gnomAD no frequency). This variant has not been reported in the literature in individuals affected with AXIN2-related conditions. ClinVar contains an entry for this variant (Variation ID: 1486938). Studies have shown that disruption of this splice site results in activation of a cryptic splice site, and produces a non-functional protein and/or introduces a premature termination codon (internal data). For these reasons, this variant has been classified as Pathogenic.